The following is an entry in ClinVar:

ClinVar aggregate classification (germline): Uncertain significance (1 of 4 stars; one submission).

Submission:

Women's Health and Genetics/Laboratory Corporation of America, LabCorp
Classification: Uncertain significance. Last evaluated: 2025-01-21. Review status: criteria provided, single submitter. Criteria: LabCorp Variant Classification Summary - May 2015. Collection method: clinical testing. Allele origin: germline.
Comment: Variant summary: IDUA c.1100C>A (p.Ala367Glu) results in a non-conservative amino acid change located in the N-terminal catalytic domain (IPR049166) of the encoded protein sequence. Five of five in-silico tools predict a damaging effect of the variant on protein function. The variant was absent in 221936 control chromosomes (gnomAD). c.1100C>A has been reported in the literature in at least one compound heterozygous individual affected with Mucopolysaccharidosis Type 1 (de Ruijter_2012, van Doorn_2018). To our knowledge, no experimental evidence demonstrating an impact on protein function has been reported. However, a different missense affecting the same amino acid, (Ala367Pro), is reported in affected individuals, and is classified as Pathogenic in ClinVar [Variation ID 2779730]. No submitters have cited clinical-significance assessments for this variant to ClinVar. Based on the evidence outlined above, the variant was classified as VUS-possibly pathogenic.

Literature cited by the submitters: PubMed 29906569; PubMed 23084433.

NM_000203.5(IDUA):c.1100C>A (p.Ala367Glu)

Gene: IDUA (alpha-L-iduronidase; plus strand). Cytogenetic location: 4p16.3.
Variant type: single nucleotide variant.
Coding change: c.1100C>A on transcript NM_000203.5 (MANE Select); coding-DNA position 1100, C replaced by A.
Protein change: p.Ala367Glu; replaces alanine 367 with glutamic acid.
Molecular consequence: missense variant. On other transcripts: non-coding transcript variant (1).
Genome position (GRCh38, 1-based): chr4:1,002,396, C>A. VCF-style: chr4-1002396-C-A. GRCh37 (hg19) VCF-style: chr4-996184-C-A.
Other names: c.704C>A, p.Ala235Glu (NM_001363576.1); short protein forms A235E, A367E.
Identifiers: ClinVar variation 3769492 (VCV003769492.2).
Genomic context (GRCh38, chr4:1,002,396, plus strand): 5'-GCAACGACAATGCCTTCCTGAGCTACCACCCGCACCCCTTCGCGCAGCGCACGCTCACCG[C>A]GCGCTTCCAGGTCAACAACACCCGCCCGCCGCACGTGCAGCTGTTGCGCAAGCCGGTGCT-3'
Protein context (NP_000194.2, residues 357-377): PHPFAQRTLT[Ala367Glu]RFQVNNTRPP